The following is an entry in ClinVar:

ClinVar aggregate classification (germline): Likely benign. Review status: reviewed by expert panel (3 of 4 stars). 8 submissions from 8 submitters: Likely benign (1). 7 of the submissions do not count toward it. Last evaluated 2023-08-17.

Conditions:
CDH1-related diffuse gastric and lobular breast cancer syndrome. Also called: CDH1-related diffuse gastric and lobular breast cancer. Identifiers: MedGen CN311521, MONDO:0100488.
Hereditary cancer-predisposing syndrome. Also called: Tumor predisposition; Hereditary neoplastic syndrome; Neoplastic Syndromes, Hereditary; Hereditary Cancer Syndrome. Identifiers: Orphanet 140162, MedGen C0027672, MeSH D009386, MONDO:0015356.
Hereditary diffuse gastric adenocarcinoma (HDGC). Also called: DIFFUSE GASTRIC AND LOBULAR BREAST CANCER SYNDROME. Identifiers: Orphanet 26106, MedGen C1708349, MONDO:0007648, OMIM 137215.

Allele frequency attached by ClinVar (database versions not stated): TOPMed 0.00001; gnomAD exomes 0.00002.
gnomAD v4.1: 3 of 1,533,768 alleles (0.0002%); highest among the groups gnomAD compares: Admixed American, 0.0039%; no homozygotes.

Submissions (8):

Clingen Gastric Cancer Variant Curation Expert Panel
Classification: Likely benign for CDH1-related diffuse gastric and lobular breast cancer syndrome. Last evaluated: 2023-08-17. Review status: reviewed by expert panel. Criteria: ClinGen CDH1 ACMG Specifications V3.1. Collection method: curation. Allele origin: germline. Inheritance: Autosomal dominant inheritance.
Comment: The CDH1 c.4G>A (p.Gly2Ser) missense variant has a frequency of 0.00002 (2 of 128,626) in gnomAD, with a maximum allele frequency of 0.00008 (2 of 24,378) in the Latino subpopulation. This variant has been observed in at least 10 individuals without DGC, SRC tumours or LBC and whose families do not suggest HDGC (BS2; unpublished). In summary, the clinical significance of this variant is classified as likely benign based on BS2 alone. ACMG/AMP criteria applied, as specified by the CDH1 Variant Curation Expert Panel (Variant Interpretation Guidelines Version 3.1): BS2.

Women's Health and Genetics/Laboratory Corporation of America, LabCorp
Classification: Uncertain significance. Last evaluated: 2026-05-27. Review status: criteria provided, single submitter. Criteria: LabCorp Variant Classification Summary - May 2015. Collection method: clinical testing. Allele origin: germline. Not counted in ClinVar's aggregate classification.
Comment: Variant summary: CDH1 c.4G>A (p.Gly2Ser) results in a non-conservative amino acid change in the encoded protein sequence. Algorithms developed to predict the effect of missense changes on protein structure and function are either unavailable or do not agree on the potential impact of this missense change. The variant allele was found at a frequency of 1.6e-05 in 128626 control chromosomes. The available data on variant occurrences in the general population are insufficient to allow any conclusion about variant significance. To our knowledge, no occurrence of c.4G>A in individuals affected with CDH1-related conditions and no experimental evidence demonstrating its impact on protein function have been reported. ClinVar contains an entry for this variant (Variation ID: 183998). Based on the evidence outlined above, the variant was classified as uncertain significance.

Center for Genomic Medicine, Rigshospitalet, Copenhagen University Hospital
Classification: Likely benign. Last evaluated: 2025-12-29. Review status: criteria provided, single submitter. Criteria: ACMG Guidelines, 2015. Collection method: clinical testing. Allele origin: germline. Not counted in ClinVar's aggregate classification.
Comment: Classification criteria: BS2

Labcorp Genetics (formerly Invitae), Labcorp
Classification: Uncertain significance for Hereditary diffuse gastric adenocarcinoma. Last evaluated: 2025-11-18. Review status: criteria provided, single submitter. Criteria: Invitae Variant Classification Sherloc (09022015). Collection method: clinical testing. Allele origin: germline. Not counted in ClinVar's aggregate classification.
Comment: This sequence change replaces glycine, which is neutral and non-polar, with serine, which is neutral and polar, at codon 2 of the CDH1 protein (p.Gly2Ser). The frequency data for this variant in the population databases is considered unreliable, as metrics indicate poor data quality at this position in the gnomAD database. This variant has not been reported in the literature in individuals affected with CDH1-related conditions. ClinVar contains an entry for this variant (Variation ID: 183998). An algorithm developed to predict the effect of missense changes on protein structure and function (PolyPhen-2) suggests that this variant is likely to be disruptive. In summary, the available evidence is currently insufficient to determine the role of this variant in disease. Therefore, it has been classified as a Variant of Uncertain Significance.

Color Diagnostics, LLC DBA Color Health
Classification: Uncertain significance for Hereditary cancer-predisposing syndrome. Last evaluated: 2025-04-08. Review status: criteria provided, single submitter. Criteria: ACMG Guidelines, 2015. Collection method: clinical testing. Allele origin: germline. Not counted in ClinVar's aggregate classification.
Comment: This missense variant replaces glycine with serine at codon 2 of the CDH1 protein. To our knowledge, functional studies have not been reported for this variant. This variant has not been reported in individuals affected with CDH1-related disorders in the literature. This variant has been identified in 2/128626 chromosomes in the general population by the Genome Aggregation Database (gnomAD). The available evidence is insufficient to determine the role of this variant in disease conclusively. Therefore, this variant is classified as a Variant of Uncertain Significance.

GeneDx
Classification: Uncertain significance. Last evaluated: 2024-05-28. Review status: criteria provided, single submitter. Criteria: GeneDx Variant Classification Process June 2021. Collection method: clinical testing. Allele origin: germline. Affected: yes. Not counted in ClinVar's aggregate classification.
Comment: Not observed at significant frequency in large population cohorts (gnomAD); In silico analysis supports that this missense variant does not alter protein structure/function; Has not been previously published as pathogenic or benign to our knowledge; This variant is associated with the following publications: (PMID: 15235021)

Quest Diagnostics Nichols Institute San Juan Capistrano
Classification: Uncertain significance. Last evaluated: 2022-07-21. Review status: criteria provided, single submitter. Criteria: Quest Diagnostics criteria. Collection method: clinical testing. Allele origin: unknown. Not counted in ClinVar's aggregate classification.

Ambry Genetics
Classification: Likely benign for Hereditary cancer-predisposing syndrome. Last evaluated: 2021-12-31. Review status: criteria provided, single submitter. Criteria: Ambry Variant Classification Scheme 2023. Collection method: clinical testing. Allele origin: germline. Not counted in ClinVar's aggregate classification.

NM_004360.5(CDH1):c.4G>A (p.Gly2Ser)

Gene: CDH1 (cadherin 1; plus strand). Cytogenetic location: 16q22.1.
Variant type: single nucleotide variant.
Coding change: c.4G>A on transcript NM_004360.5 (MANE Select); coding-DNA position 4, G replaced by A.
Protein change: p.Gly2Ser; replaces glycine 2 with serine.
Molecular consequence: missense variant. On other transcripts: 5 prime UTR variant (2).
Genome position (GRCh38, 1-based): chr16:68,737,419, G>A. VCF-style: chr16-68737419-G-A. GRCh37 (hg19) VCF-style: chr16-68771322-G-A.
Other names: c.4G>A (LRG_301t1); c.4G>A, p.Gly2Ser (NM_001317184.2); c.-1612G>A (NM_001317185.2); c.-1816G>A (NM_001317186.2); short protein forms G2S.
Identifiers: ClinVar variation 183998 (VCV000183998.29), dbSNP rs786201212, ClinGen allele CA187442.